The following is an entry in ClinVar:

ClinVar aggregate classification (germline): Uncertain significance (1 of 4 stars; one submission).

Conditions:
Aortic aneurysm, familial thoracic 8 (AAT8). Identifiers: MedGen C3809513, MONDO:0014187, OMIM 615436.

Submission:

Labcorp Genetics (formerly Invitae), Labcorp
Classification: Uncertain significance for Aortic aneurysm, familial thoracic 8. Last evaluated: 2023-07-19. Review status: criteria provided, single submitter. Criteria: Invitae Variant Classification Sherloc (09022015). Collection method: clinical testing. Allele origin: germline.
Comment: This sequence change replaces isoleucine, which is neutral and non-polar, with asparagine, which is neutral and polar, at codon 222 of the PRKG1 protein (p.Ile222Asn). This variant is not present in population databases (gnomAD no frequency). This variant has not been reported in the literature in individuals affected with PRKG1-related conditions. An algorithm developed to predict the effect of missense changes on protein structure and function (PolyPhen-2) suggests that this variant is likely to be tolerated. In summary, the available evidence is currently insufficient to determine the role of this variant in disease. Therefore, it has been classified as a Variant of Uncertain Significance.

NM_006258.4(PRKG1):c.665T>A (p.Ile222Asn)

Gene: PRKG1 (protein kinase cGMP-dependent 1; plus strand). Cytogenetic location: 10q21.1.
Variant type: single nucleotide variant.
Coding change: c.665T>A on transcript NM_006258.4 (MANE Select); coding-DNA position 665, T replaced by A.
Protein change: p.Ile222Asn; replaces isoleucine 222 with asparagine.
Molecular consequence: missense variant.
Genome position (GRCh38, 1-based): chr10:51,804,657, T>A. VCF-style: chr10-51804657-T-A. GRCh37 (hg19) VCF-style: chr10-53564417-T-A.
Other names: c.620T>A, p.Ile207Asn (NM_001098512.3); c.665T>A, p.Ile222Asn (NM_001374782.1); short protein forms I207N, I222N.
Identifiers: ClinVar variation 2744878 (VCV002744878.3), dbSNP rs2494026877, ClinGen allele CA376531011.